The following is an entry in ClinVar:

ClinVar aggregate classification (germline): Uncertain significance (1 of 4 stars; one submission).

Conditions:
Ataxia-telangiectasia syndrome (AT). Also called: ATAXIA-TELANGIECTASIA, COMPLEMENTATION GROUP A; ATAXIA-TELANGIECTASIA, FRESNO VARIANT; Ataxia-telangiectasia, complementation group D; AT, COMPLEMENTATION GROUP C; Cerebello-oculocutaneous telangiectasia; Immunodeficiency with ataxia telangiectasia. Identifiers: Orphanet 100, MedGen C0004135, MONDO:0008840, OMIM 208900.

Submission:

Labcorp Genetics (formerly Invitae), Labcorp
Classification: Uncertain significance for Ataxia-telangiectasia syndrome. Last evaluated: 2021-06-17. Review status: criteria provided, single submitter. Criteria: Invitae Variant Classification Sherloc (09022015). Collection method: clinical testing. Allele origin: germline.
Comment: This sequence change replaces arginine with proline at codon 447 of the ATM protein (p.Arg447Pro). The arginine residue is moderately conserved and there is a moderate physicochemical difference between arginine and proline. In summary, the available evidence is currently insufficient to determine the role of this variant in disease. Therefore, it has been classified as a Variant of Uncertain Significance. Advanced modeling of protein sequence and biophysical properties (such as structural, functional, and spatial information, amino acid conservation, physicochemical variation, residue mobility, and thermodynamic stability) performed at Invitae indicates that this missense variant is not expected to disrupt ATM protein function. This variant has not been reported in the literature in individuals with ATM-related conditions. This variant is not present in population databases (ExAC no frequency).

NM_000051.4(ATM):c.1340G>C (p.Arg447Pro)

Gene: ATM (ATM serine/threonine kinase; plus strand). Cytogenetic location: 11q22.3.
Variant type: single nucleotide variant.
Coding change: c.1340G>C on transcript NM_000051.4 (MANE Select); coding-DNA position 1340, G replaced by C.
Protein change: p.Arg447Pro; replaces arginine 447 with proline.
Molecular consequence: missense variant.
Genome position (GRCh38, 1-based): chr11:108,250,805, G>C. VCF-style: chr11-108250805-G-C. GRCh37 (hg19) VCF-style: chr11-108121532-G-C.
Other names: c.1340G>C, p.Arg447Pro (NM_001351834.2); short protein forms R447P.
Identifiers: ClinVar variation 1044710 (VCV001044710.8), dbSNP rs760676955, ClinGen allele CA382533742.